The following is an entry in ClinVar:

ClinVar aggregate classification (germline): Uncertain significance (1 of 4 stars; one submission).

Submission:

Labcorp Genetics (formerly Invitae), Labcorp
Classification: Uncertain significance. Last evaluated: 2021-12-08. Review status: criteria provided, single submitter. Criteria: Invitae Variant Classification Sherloc (09022015). Collection method: clinical testing. Allele origin: germline.
Comment: In summary, the available evidence is currently insufficient to determine the role of this variant in disease. Therefore, it has been classified as a Variant of Uncertain Significance. Algorithms developed to predict the effect of missense changes on protein structure and function (SIFT, PolyPhen-2, Align-GVGD) all suggest that this variant is likely to be tolerated. This variant has not been reported in the literature in individuals affected with LPIN1-related conditions. This variant is not present in population databases (gnomAD no frequency). This sequence change replaces glycine, which is neutral and non-polar, with glutamic acid, which is acidic and polar, at codon 457 of the LPIN1 protein (p.Gly457Glu).

NM_001349206.2(LPIN1):c.1478G>A (p.Gly493Glu)

Genes: LPIN1 (lipin 1; plus strand), LOC122756382 (Sharpr-MPRA regulatory region 7856; plus strand). Cytogenetic location: 2p25.1.
Variant type: single nucleotide variant.
Coding change: c.1478G>A on transcript NM_001349206.2 (MANE Select); coding-DNA position 1478, G replaced by A.
Protein change: p.Gly493Glu; replaces glycine 493 with glutamic acid.
Molecular consequence: missense variant. On other transcripts: non-coding transcript variant (1).
Genome position (GRCh38, 1-based): chr2:11,785,005, G>A. VCF-style: chr2-11785005-G-A. GRCh37 (hg19) VCF-style: chr2-11925131-G-A.
Other names: c.1388G>A, p.Gly463Glu (NM_001261427.3); c.1625G>A, p.Gly542Glu (NM_001261428.3); c.1370G>A, p.Gly457Glu (NM_001349199.2, NM_001349200.2, NM_001349201.2 and 1 more transcripts); c.1475G>A, p.Gly492Glu (NM_001349202.2, NM_001349203.2); c.1478G>A, p.Gly493Glu (NM_001349204.2, NM_001349205.2); c.1568G>A, p.Gly523Glu (NM_001349207.2); c.1517G>A, p.Gly506Glu (NM_001349208.2); short protein forms G463E, G457E, G493E, G506E, G492E, G523E, G542E.
Identifiers: ClinVar variation 1394784 (VCV001394784.6), dbSNP rs2148661161, ClinGen allele CA345857581.